The following is an entry in ClinVar:

NM_001160372.4(TRAPPC9):c.357G>A (p.Gly119=)

Gene: TRAPPC9 (trafficking protein particle complex subunit 9; minus strand). Cytogenetic location: 8q24.3.
Variant type: single nucleotide variant.
Coding change: c.357G>A on transcript NM_001160372.4 (MANE Select); coding-DNA position 357, G replaced by A.
Protein change: p.Gly119=; no amino-acid change (glycine 119 retained).
Molecular consequence: synonymous variant. On other transcripts: non-coding transcript variant (1).
Genome position (GRCh38, 1-based): chr8:140,451,017, C>T on the plus strand (G>A on the coding strand, the complement: TRAPPC9 is on the minus strand). VCF-style: chr8-140451017-C-T. GRCh37 (hg19) VCF-style: chr8-141461116-C-T.
Other names: c.357G>A, p.Gly119= (NM_001321646.2, NM_001374682.1, NM_001374683.1 and 2 more transcripts).
Identifiers: ClinVar variation 130636 (VCV000130636.31), dbSNP rs34457678, ClinGen allele CA155794.

ClinVar aggregate classification (germline): Benign/Likely benign. Review status: criteria provided, multiple submitters, no conflicts (2 of 4 stars). 8 submissions from 8 submitters: Benign (4); Likely benign (1). 3 of the submissions do not count toward it. Last evaluated 2026-02-03.

Conditions:
Inborn genetic diseases. Identifiers: MedGen C0950123, MeSH D030342.

Allele frequency attached by ClinVar (database versions not stated): 1000 Genomes Project 0.06410; 1000 Genomes Project 30x 0.06621; gnomAD exomes 0.07068; ExAC 0.07235; gnomAD 0.08545 and 0.08878; TOPMed 0.09124; ESP Exome Variant Server 0.09373.
gnomAD v4.1: 129,777 of 1,613,986 alleles (8%); highest among the groups gnomAD compares: African/African-American, 11%; 5,718 homozygotes.

Submissions (8):

Labcorp Genetics (formerly Invitae), Labcorp
Classification: Benign. Last evaluated: 2026-02-03. Review status: criteria provided, single submitter. Criteria: Invitae Variant Classification Sherloc (09022015). Collection method: clinical testing. Allele origin: germline.

Blueprint Genetics
Classification: Benign. Last evaluated: 2024-11-27. Review status: criteria provided, single submitter. Criteria: ACMG Guidelines, 2015. Collection method: clinical testing. Allele origin: germline.

GeneDx
Classification: Benign. Last evaluated: 2018-07-09. Review status: criteria provided, single submitter. Criteria: GeneDx Variant Classification Process June 2021. Collection method: clinical testing. Allele origin: germline. Affected: yes.

Ambry Genetics
Classification: Benign for Inborn genetic diseases. Last evaluated: 2016-04-14. Review status: criteria provided, single submitter. Criteria: Ambry Variant Classification Scheme 2023. Collection method: clinical testing. Allele origin: germline.

Breakthrough Genomics
Classification: Likely benign. Review status: criteria provided, single submitter. Criteria: ACMG Guidelines, 2015. Collection method: not provided. Allele origin: germline. Inheritance: Autosomal recessive inheritance. Affected: yes.

Diagnostic Laboratory, Department of Genetics, University Medical Center Groningen
Classification: Benign. Review status: no assertion criteria provided. Collection method: clinical testing. Allele origin: germline. Affected: yes. Study: VKGL Data-share Consensus. Not counted in ClinVar's aggregate classification.

Genetic Services Laboratory, University of Chicago
Classification: Likely benign for AllHighlyPenetrant. Review status: no assertion criteria provided. Collection method: clinical testing. Allele origin: germline. Inheritance: Autosomal recessive inheritance. Not counted in ClinVar's aggregate classification.
Comment: Likely benign based on allele frequency in 1000 Genomes Project or ESP global frequency and its presence in a patient with a rare or unrelated disease phenotype. NOT Sanger confirmed.

Joint Genome Diagnostic Labs from Nijmegen and Maastricht, Radboudumc and MUMC+
Classification: Benign. Review status: no assertion criteria provided. Collection method: clinical testing. Allele origin: germline. Affected: yes. Study: VKGL Data-share Consensus. Not counted in ClinVar's aggregate classification.